The following is an entry in ClinVar:

NM_021930.6(RINT1):c.1832T>C (p.Val611Ala)

Gene: RINT1 (RAD50 interactor 1; plus strand). Cytogenetic location: 7q22.3.
Variant type: single nucleotide variant.
Coding change: c.1832T>C on transcript NM_021930.6 (MANE Select); coding-DNA position 1832, T replaced by C.
Protein change: p.Val611Ala; replaces valine 611 with alanine.
Molecular consequence: missense variant. On other transcripts: non-coding transcript variant (1).
Genome position (GRCh38, 1-based): chr7:105,563,893, T>C. VCF-style: chr7-105563893-T-C. GRCh37 (hg19) VCF-style: chr7-105204340-T-C.
Other names: c.1598T>C, p.Val533Ala (NM_001346599.2); c.809T>C, p.Val270Ala (NM_001346600.2, NM_001346603.2); c.908T>C, p.Val303Ala (NM_001346601.2); short protein forms V270A, V533A, V303A, V611A.
Identifiers: ClinVar variation 1780988 (VCV001780988.2), dbSNP rs2485176296, ClinGen allele CA368814110.

ClinVar aggregate classification (germline): Uncertain significance (1 of 4 stars; one submission).

Allele frequency attached by ClinVar (database versions not stated): gnomAD exomes below 0.00001.
gnomAD v4.1: 2 of 1,614,150 alleles (0.00012%); highest among the groups gnomAD compares: Non-Finnish European, 0.00017%; no homozygotes.

Submission:

Ambry Genetics
Classification: Uncertain significance. Last evaluated: 2022-06-04. Review status: criteria provided, single submitter. Criteria: Ambry Variant Classification Scheme 2023. Collection method: clinical testing. Allele origin: germline.
Comment: The p.V611A variant (also known as c.1832T>C), located in coding exon 12 of the RINT1 gene, results from a T to C substitution at nucleotide position 1832. The valine at codon 611 is replaced by alanine, an amino acid with similar properties. This amino acid position is conserved. In addition, the in silico prediction for this alteration is inconclusive. Since supporting evidence is limited at this time, the clinical significance of this alteration remains unclear.